The following is an entry in ClinVar:

ClinVar aggregate classification (germline): Benign/Likely benign. Review status: criteria provided, multiple submitters, no conflicts (2 of 4 stars). 15 submissions from 12 submitters: Benign (6); Likely benign (7). 2 of the submissions do not count toward it. Last evaluated 2026-07-01.

Conditions:
Pfeiffer syndrome (ACS5). Also called: ACS V. Identifiers: Orphanet 710, MedGen C0220658, MONDO:0007043, OMIM 101600.
Hypogonadotropic hypogonadism 2 with or without anosmia (HH2). Also called: FGFR1-Related GnRH Deficiency (Kallmann Syndrome 2); HYPOGONADOTROPIC HYPOGONADISM 2 WITHOUT ANOSMIA; HYPOGONADOTROPIC HYPOGONADISM 2 WITH OR WITHOUT ANOSMIA, SUSCEPTIBILITY TO; HYPOGONADOTROPIC HYPOGONADISM 2 WITHOUT ANOSMIA, SUSCEPTIBILITY TO. Identifiers: Orphanet 478, MedGen C1563720, MONDO:0007844, OMIM 147950. Disease mechanism: loss of function.
Craniosynostosis syndrome. Also called: Craniosynostosis. Identifiers: Orphanet 1531, MedGen C0010278, MeSH D003398, MONDO:0015469, HP:0001363.
Trigonocephaly 1 (TRIGNO1). Identifiers: Orphanet 3366, MedGen C0432122, MONDO:0008603, OMIM 190440.
Osteoglophonic dysplasia (OGD). Also called: Osteoglophonic dwarfism. Identifiers: Orphanet 2645, MedGen C0432283, MONDO:0008150, OMIM 166250.

Allele frequency attached by ClinVar (database versions not stated): ExAC 0.00382; 1000 Genomes Project 0.00919; 1000 Genomes Project 30x 0.01015; gnomAD 0.01218 and 0.01307; ESP Exome Variant Server 0.01386.
gnomAD v4.1: 3,617 of 1,614,080 alleles (0.22%); highest among the groups gnomAD compares: African/African-American, 4.3%; 83 homozygotes.

Submissions (15):

CeGaT Center for Human Genetics Tuebingen
Classification: Likely benign. Last evaluated: 2026-07-01. Review status: criteria provided, single submitter. Criteria: CeGaT Center For Human Genetics Tuebingen Variant Classification Criteria Version 2. Collection method: clinical testing. Allele origin: germline. Affected: yes. Observed: 3 variant alleles.
Comment: FGFR1: PM5, BS1, BS2

Labcorp Genetics (formerly Invitae), Labcorp
Classification: Benign for Pfeiffer syndrome; Hypogonadotropic hypogonadism 2 with or without anosmia. Last evaluated: 2026-01-14. Review status: criteria provided, single submitter. Criteria: Invitae Variant Classification Sherloc (09022015). Collection method: clinical testing. Allele origin: germline.

ARUP Laboratories, Molecular Genetics and Genomics, ARUP Laboratories
Classification: Benign. Last evaluated: 2025-06-11. Review status: criteria provided, single submitter. Criteria: ARUP Molecular Germline Variant Investigation Process 2024. Collection method: clinical testing. Allele origin: germline.

Dubai Health Genomic Medicine Center, Dubai Health
Classification: Benign. Last evaluated: 2020-03-25. Review status: criteria provided, single submitter. Criteria: ACMG Guidelines, 2015. Collection method: clinical testing. Allele origin: germline. Affected: yes.

SIB Swiss Institute of Bioinformatics
Classification: Likely benign for Hypogonadotropic hypogonadism 2 with or without anosmia. Last evaluated: 2018-05-31. Review status: criteria provided, single submitter. Criteria: ACMG Guidelines, 2015. Collection method: curation. Allele origin: unknown.
Comment: This variant is interpreted as a Likely Benign, for hypogonadotropic hypogonadism 2 with or without anosmia, in Autosomal Dominant manner. The following ACMG Tag(s) were applied: BS1 => Allele frequency is greater than expected for disorder. BS2-Supporting => BS2 downgraded in strength to supporting.

Illumina Laboratory Services, Illumina
Classification: Likely benign for Trigonocephaly 1. Last evaluated: 2017-04-27. Review status: criteria provided, single submitter. Criteria: ICSL Variant Classification Criteria 13 December 2019. Collection method: clinical testing. Allele origin: germline.
Comment: This variant was observed as part of a predisposition screen in an ostensibly healthy population. A literature search was performed for the gene, cDNA change, and amino acid change (where applicable). No publications were found based on this search. Allele frequency data from public databases allowed determination this variant is unlikely to cause disease. Therefore, this variant is classified as likely benign.

Illumina Laboratory Services, Illumina
Classification: Likely benign for Hypogonadotropic hypogonadism 2 with or without anosmia. Last evaluated: 2017-04-27. Review status: criteria provided, single submitter. Criteria: ICSL Variant Classification Criteria 13 December 2019. Collection method: clinical testing. Allele origin: germline.
Comment: This variant was observed as part of a predisposition screen in an ostensibly healthy population. A literature search was performed for the gene, cDNA change, and amino acid change (where applicable). Publications were found based on this search. The evidence from the literature, in combination with allele frequency data from public databases where available, was sufficient to determine this variant is unlikely to cause disease. Therefore, this variant is classified as likely benign.

Illumina Laboratory Services, Illumina
Classification: Likely benign for Craniosynostosis. Last evaluated: 2017-04-27. Review status: criteria provided, single submitter. Criteria: ICSL Variant Classification Criteria 13 December 2019. Collection method: clinical testing. Allele origin: germline.
Comment: the same text as in the submission from Illumina Laboratory Services, Illumina above.

Illumina Laboratory Services, Illumina
Classification: Likely benign for Osteoglophonic dysplasia. Last evaluated: 2017-04-27. Review status: criteria provided, single submitter. Criteria: ICSL Variant Classification Criteria 13 December 2019. Collection method: clinical testing. Allele origin: germline.
Comment: the same text as in the submission from Illumina Laboratory Services, Illumina above.

Center for Pediatric Genomic Medicine, Children's Mercy Hospital and Clinics
Classification: Benign. Last evaluated: 2016-04-25. Review status: criteria provided, single submitter. Criteria: ACMG Guidelines, 2015. Collection method: clinical testing. Allele origin: germline.

GeneDx
Classification: Benign. Last evaluated: 2015-08-31. Review status: criteria provided, single submitter. Criteria: GeneDx Variant Classification (06012015). Collection method: clinical testing. Allele origin: germline. Affected: yes.
Comment: This variant is considered likely benign or benign based on one or more of the following criteria: it is a conservative change, it occurs at a poorly conserved position in the protein, it is predicted to be benign by multiple in silico algorithms, and/or has population frequency not consistent with disease.

Eurofins Ntd Llc (ga)
Classification: Benign. Last evaluated: 2015-02-26. Review status: criteria provided, single submitter. Criteria: EGL Classification Definitions 2015. Collection method: clinical testing. Allele origin: germline. Observed: 2 variant alleles, 2 heterozygotes.

Breakthrough Genomics
Classification: Likely benign. Review status: criteria provided, single submitter. Criteria: ACMG Guidelines, 2015. Collection method: not provided. Allele origin: germline. Inheritance: Autosomal dominant inheritance. Affected: yes.

Clinical Genetics, Academic Medical Center
Classification: Benign. Review status: no assertion criteria provided. Collection method: clinical testing. Allele origin: germline. Affected: yes. Study: VKGL Data-share Consensus. Not counted in ClinVar's aggregate classification.

Genome Diagnostics Laboratory, University Medical Center Utrecht
Classification: Benign. Review status: no assertion criteria provided. Collection method: clinical testing. Allele origin: germline. Affected: yes. Study: VKGL Data-share Consensus. Not counted in ClinVar's aggregate classification.

Literature cited by the submitters: PubMed 19707180 (cited by Illumina Laboratory Services, Illumina); PubMed 12627230 (cited by Illumina Laboratory Services, Illumina); PubMed 17154279 (cited by Illumina Laboratory Services, Illumina); PubMed 18160472 (cited by Illumina Laboratory Services, Illumina); PubMed 22378383 (cited by Illumina Laboratory Services, Illumina); PubMed 15365636 (cited by Illumina Laboratory Services, Illumina).

NM_023110.3(FGFR1):c.2314C>T (p.Pro772Ser)

Gene: FGFR1 (fibroblast growth factor receptor 1; minus strand). Cytogenetic location: 8p11.23.
Variant type: single nucleotide variant.
Coding change: c.2314C>T on transcript NM_023110.3 (MANE Select); coding-DNA position 2314, C replaced by T.
Protein change: p.Pro772Ser; replaces proline 772 with serine.
Molecular consequence: missense variant. On other transcripts: intron variant (3).
Genome position (GRCh38, 1-based): chr8:38,413,783, G>A on the plus strand (C>T on the coding strand, the complement: FGFR1 is on the minus strand). VCF-style: chr8-38413783-G-A. GRCh37 (hg19) VCF-style: chr8-38271301-G-A.
Other names: NM_001174063.1(FGFR1):c.2308C>T(p.Pro770Ser); NM_001174064.1(FGFR1):c.2284C>T(p.Pro762Ser); NM_001174065.1(FGFR1):c.2308C>T(p.Pro770Ser); NM_001174066.1(FGFR1):c.2047C>T(p.Pro683Ser); NM_001174067.1(FGFR1):c.2407C>T(p.Pro803Ser); NM_015850.3(FGFR1):c.2308C>T(p.Pro770Ser); NM_023105.2(FGFR1):c.2047C>T(p.Pro683Ser); NM_023106.2(FGFR1):c.2041C>T(p.Pro681Ser); and 10 more; short protein forms P772S, P803S, P681S, P683S, P762S, P679S, P770S.
Identifiers: ClinVar variation 194891 (VCV000194891.44), dbSNP rs56234888, ClinGen allele CA201426.